The following is an entry in ClinVar:

ClinVar aggregate classification (germline): Uncertain significance (1 of 4 stars; one submission).

Allele frequency attached by ClinVar (database versions not stated): ExAC 0.00001; gnomAD 0.00001; 1000 Genomes Project 0.00020; 1000 Genomes Project 30x 0.00031.
gnomAD v4.1: 4 of 1,614,210 alleles (0.00025%); highest among the groups gnomAD compares: South Asian, 0.0022%; no homozygotes.

Submission:

Labcorp Genetics (formerly Invitae), Labcorp
Classification: Uncertain significance. Last evaluated: 2024-12-02. Review status: criteria provided, single submitter. Criteria: Invitae Variant Classification Sherloc (09022015). Collection method: clinical testing. Allele origin: germline.
Comment: This sequence change replaces glutamic acid, which is acidic and polar, with glycine, which is neutral and non-polar, at codon 51 of the MFF protein (p.Glu51Gly). This variant is present in population databases (rs182099421, gnomAD 0.003%). This variant has not been reported in the literature in individuals affected with MFF-related conditions. ClinVar contains an entry for this variant (Variation ID: 1989365). An algorithm developed to predict the effect of missense changes on protein structure and function (PolyPhen-2) suggests that this variant is likely to be disruptive. In summary, the available evidence is currently insufficient to determine the role of this variant in disease. Therefore, it has been classified as a Variant of Uncertain Significance.

NM_001277062.2(MFF):c.74A>G (p.Glu25Gly)

Gene: MFF (mitochondrial fission factor; plus strand). Cytogenetic location: 2q36.3.
Variant type: single nucleotide variant.
Coding change: c.74A>G on transcript NM_001277062.2 (MANE Select); coding-DNA position 74, A replaced by G.
Protein change: p.Glu25Gly; replaces glutamic acid 25 with glycine.
Molecular consequence: missense variant. On other transcripts: intron variant (1).
Genome position (GRCh38, 1-based): chr2:227,330,739, A>G. VCF-style: chr2-227330739-A-G. GRCh37 (hg19) VCF-style: chr2-228195455-A-G.
Other names: c.152A>G, p.Glu51Gly (NM_001277061.2, NM_020194.5); c.74A>G, p.Glu25Gly (NM_001277063.2, NM_001277064.2, NM_001277065.2 and 2 more transcripts); c.-35-42A>G (NM_001277067.1); short protein forms E25G, E51G.
Identifiers: ClinVar variation 1989365 (VCV001989365.4), dbSNP rs182099421, ClinGen allele CA2147787.